The following is an entry in ClinVar:

NM_016938.5(EFEMP2):c.100G>A (p.Asp34Asn)

Gene: EFEMP2 (EGF-like fibulin extracellular matrix protein 2; minus strand). Cytogenetic location: 11q13.1.
Variant type: single nucleotide variant.
Coding change: c.100G>A on transcript NM_016938.5 (MANE Select); coding-DNA position 100, G replaced by A.
Protein change: p.Asp34Asn; replaces aspartic acid 34 with asparagine.
Molecular consequence: missense variant. On other transcripts: non-coding transcript variant (1).
Genome position (GRCh38, 1-based): chr11:65,872,255, C>T on the plus strand (G>A on the coding strand, the complement: EFEMP2 is on the minus strand). VCF-style: chr11-65872255-C-T. GRCh37 (hg19) VCF-style: chr11-65639726-C-T.
Other names: c.100G>A (NM_016938.4); short protein forms D34N.
Identifiers: ClinVar variation 2043366 (VCV002043366.2), dbSNP rs1038731060, ClinGen allele CA381311190.

ClinVar aggregate classification (germline): Uncertain significance. Review status: criteria provided, multiple submitters, no conflicts (2 of 4 stars). 2 submissions from 2 submitters: Uncertain significance (2). Last evaluated 2023-11-09.

Conditions:
Cardiovascular phenotype. Identifiers: MedGen CN230736.
Cutis laxa, autosomal recessive, type 1B (ARCL1B). Also called: EFEMP2-Related Cutis Laxa; CUTIS LAXA, AUTOSOMAL RECESSIVE, TYPE IB. Identifiers: Orphanet 90349, MedGen C3280798, MONDO:0013754, OMIM 614437. Disease mechanism: loss of function.

Allele frequency attached by ClinVar (database versions not stated): TOPMed 0.00003.
gnomAD v4.1: 4 of 1,551,458 alleles (0.00026%); highest among the groups gnomAD compares: East Asian, 0.0073%; no homozygotes.

Submissions (2):

Ambry Genetics
Classification: Uncertain significance for Cardiovascular phenotype. Last evaluated: 2023-11-09. Review status: criteria provided, single submitter. Criteria: Ambry Variant Classification Scheme 2023. Collection method: clinical testing. Allele origin: germline.
Comment: The p.D34N variant (also known as c.100G>A), located in coding exon 1 of the EFEMP2 gene, results from a G to A substitution at nucleotide position 100. The aspartic acid at codon 34 is replaced by asparagine, an amino acid with highly similar properties. This amino acid position is conserved. In addition, this alteration is predicted to be tolerated by in silico analysis. Since supporting evidence is limited at this time, the clinical significance of this alteration remains unclear.

Labcorp Genetics (formerly Invitae), Labcorp
Classification: Uncertain significance for Cutis laxa, autosomal recessive, type 1B. Last evaluated: 2022-09-06. Review status: criteria provided, single submitter. Criteria: Invitae Variant Classification Sherloc (09022015). Collection method: clinical testing. Allele origin: germline.
Comment: This sequence change replaces aspartic acid, which is acidic and polar, with asparagine, which is neutral and polar, at codon 34 of the EFEMP2 protein (p.Asp34Asn). This variant is present in population databases (no rsID available, gnomAD 0.01%). This variant has not been reported in the literature in individuals affected with EFEMP2-related conditions. Algorithms developed to predict the effect of missense changes on protein structure and function are either unavailable or do not agree on the potential impact of this missense change (SIFT: "Deleterious"; PolyPhen-2: "Benign"; Align-GVGD: "Class C0"). In summary, the available evidence is currently insufficient to determine the role of this variant in disease. Therefore, it has been classified as a Variant of Uncertain Significance.